The following is an entry in ClinVar:

ClinVar aggregate classification (germline): Uncertain significance. Review status: criteria provided, multiple submitters, no conflicts (2 of 4 stars). 2 submissions from 2 submitters: Uncertain significance (2). Last evaluated 2025-06-18.

Conditions:
COL18A1-related disorder. Also called: COL18A1-related condition; COL18A1-related disorders.

Allele frequency attached by ClinVar (database versions not stated): gnomAD exomes 0.00002; ExAC 0.00004; gnomAD 0.00005 and 0.00006; TOPMed 0.00005; ESP Exome Variant Server 0.00025.
gnomAD v4.1: 138 of 1,606,988 alleles (0.0086%); highest among the groups gnomAD compares: Non-Finnish European, 0.011%; no homozygotes.

Submissions (2):

PreventionGenetics, part of Exact Sciences
Classification: Uncertain significance for COL18A1-related condition. Last evaluated: 2025-06-18. Review status: criteria provided, single submitter. Criteria: ACMG Guidelines, 2015. Collection method: clinical testing. Allele origin: germline.
Comment: The COL18A1 c.1315C>T variant is predicted to result in the amino acid substitution p.Arg439Trp. To our knowledge, this variant has not been reported in the literature. This variant is reported in 0.0049% of alleles in individuals of European (Non-Finnish) descent in gnomAD. At this time, the clinical significance of this variant is uncertain due to the absence of conclusive functional and genetic evidence.

Labcorp Genetics (formerly Invitae), Labcorp
Classification: Uncertain significance. Last evaluated: 2023-10-03. Review status: criteria provided, single submitter. Criteria: Invitae Variant Classification Sherloc (09022015). Collection method: clinical testing. Allele origin: germline.
Comment: This sequence change replaces arginine, which is basic and polar, with tryptophan, which is neutral and slightly polar, at codon 259 of the COL18A1 protein (p.Arg259Trp). This variant is present in population databases (rs376722572, gnomAD 0.006%). This variant has not been reported in the literature in individuals affected with COL18A1-related conditions. ClinVar contains an entry for this variant (Variation ID: 1467185). Experimental studies and prediction algorithms are not available or were not evaluated, and the functional significance of this variant is currently unknown. In summary, the available evidence is currently insufficient to determine the role of this variant in disease. Therefore, it has been classified as a Variant of Uncertain Significance.

NM_001379500.1(COL18A1):c.775C>T (p.Arg259Trp)

Gene: COL18A1 (collagen type XVIII alpha 1 chain; plus strand). Cytogenetic location: 21q22.3.
Variant type: single nucleotide variant.
Coding change: c.775C>T on transcript NM_001379500.1 (MANE Select); coding-DNA position 775, C replaced by T.
Protein change: p.Arg259Trp; replaces arginine 259 with tryptophan.
Molecular consequence: missense variant.
Genome position (GRCh38, 1-based): chr21:45,475,512, C>T. VCF-style: chr21-45475512-C-T. GRCh37 (hg19) VCF-style: chr21-46895426-C-T.
Other names: c.1315C>T, p.Arg439Trp (NM_030582.4); c.2020C>T, p.Arg674Trp (NM_130444.3); c.1315C>T (NM_030582.3); short protein forms R439W, R674W, R259W.
Identifiers: ClinVar variation 1467185 (VCV001467185.5), dbSNP rs376722572, ClinGen allele CA10065890.